The following is an entry in ClinVar:

ClinVar aggregate classification (germline): Likely benign (1 of 4 stars; one submission).

Conditions:
NF1-related disorder. Also called: NF1-related condition. Identifiers: MedGen CN379171.

Submission:

PreventionGenetics, part of Exact Sciences
Classification: Likely benign for NF1-related condition. Last evaluated: 2026-02-18. Review status: criteria provided, single submitter. Criteria: ACMG Guidelines, 2015. Collection method: clinical testing. Allele origin: germline.
Comment: This variant is classified as likely benign based on ACMG/AMP sequence variant interpretation guidelines (Richards et al. 2015 PMID: 25741868, with internal and published modifications).

NM_001042492.3(NF1):c.1642-455G>C

Gene: NF1 (neurofibromin 1; plus strand). Cytogenetic location: 17q11.2.
Variant type: single nucleotide variant.
Coding change: c.1642-455G>C on transcript NM_001042492.3 (MANE Select); 455 bases into the intron before coding-DNA position 1642, G replaced by C.
Molecular consequence: intron variant.
Genome position (GRCh38, 1-based): chr17:31,221,395, G>C. VCF-style: chr17-31221395-G-C. GRCh37 (hg19) VCF-style: chr17-29548413-G-C.
Other names: c.1642-455G>C (NM_000267.4, NM_001128147.3).
Identifiers: ClinVar variation 4980297 (VCV004980297.1).